The following is an entry in ClinVar:

ClinVar aggregate classification (germline): Benign/Likely benign. Review status: criteria provided, multiple submitters, no conflicts (2 of 4 stars). 7 submissions from 6 submitters: Benign (4); Likely benign (2). 1 of the submissions does not count toward it. Last evaluated 2026-02-01.

Conditions:
Mitochondrial complex I deficiency, nuclear type 1. Also called: NADH-COENZYME Q REDUCTASE DEFICIENCY; MITOCHONDRIAL NADH DEHYDROGENASE COMPONENT OF COMPLEX I, DEFICIENCY OF. Identifiers: MedGen C6022305, MONDO:0100224, OMIM 252010.
Leigh syndrome (NULS). Also called: Leigh Disease; Leigh Syndrome (mtDNA deletion); Subacute necrotizing encephalopathy; Necrotizing encephalopathy infantile subacute of Leigh; Leigh's necrotizing encephalopathy; Leigh's disease. Identifiers: Orphanet 506, MedGen C2931891, MONDO:0009723, OMIM 256000.

Allele frequency attached by ClinVar (database versions not stated): gnomAD exomes 0.03737 and 0.04814; ExAC 0.04996; TOPMed 0.05459; ESP Exome Variant Server 0.05590; gnomAD 0.05679 and 0.05713; 1000 Genomes Project 0.06569; 1000 Genomes Project 30x 0.06574.
gnomAD v4.1: 63,454 of 1,613,942 alleles (3.9%); highest among the groups gnomAD compares: African/African-American, 10%; 1,501 homozygotes.

Submissions (7):

Labcorp Genetics (formerly Invitae), Labcorp
Classification: Benign. Last evaluated: 2026-02-01. Review status: criteria provided, single submitter. Criteria: Invitae Variant Classification Sherloc (09022015). Collection method: clinical testing. Allele origin: germline.

Illumina Laboratory Services, Illumina
Classification: Likely benign for Mitochondrial complex I deficiency, nuclear type 1. Last evaluated: 2018-01-13. Review status: criteria provided, single submitter. Criteria: ICSL Variant Classification Criteria 13 December 2019. Collection method: clinical testing. Allele origin: germline.
Comment: This variant was observed in the ICSL laboratory as part of a predisposition screen in an ostensibly healthy population. It had not been previously curated by ICSL or reported in the Human Gene Mutation Database (HGMD: prior to June 1st, 2018), and was therefore a candidate for classification through an automated scoring system. Utilizing variant allele frequency, disease prevalence and penetrance estimates, and inheritance mode, an automated score was calculated to assess if this variant is too frequent to cause the disease. Based on the score and internal cut-off values, a variant classified as likely benign is not then subjected to further curation. The score for this variant resulted in a classification of likely benign for this disease.

Illumina Laboratory Services, Illumina
Classification: Benign for Leigh syndrome. Last evaluated: 2018-01-13. Review status: criteria provided, single submitter. Criteria: ICSL Variant Classification Criteria 13 December 2019. Collection method: clinical testing. Allele origin: germline.
Comment: This variant was observed in the ICSL laboratory as part of a predisposition screen in an ostensibly healthy population. It had not been previously curated by ICSL or reported in the Human Gene Mutation Database (HGMD: prior to June 1st, 2018), and was therefore a candidate for classification through an automated scoring system. Utilizing variant allele frequency, disease prevalence and penetrance estimates, and inheritance mode, an automated score was calculated to assess if this variant is too frequent to cause the disease. Based on the score and internal cut-off values, a variant classified as benign is not then subjected to further curation. The score for this variant resulted in a classification of benign for this disease.

GeneDx
Classification: Benign. Last evaluated: 2012-09-13. Review status: criteria provided, single submitter. Criteria: GeneDx Variant Classification (06012015). Collection method: clinical testing. Allele origin: germline. Affected: yes.
Comment: This variant is considered likely benign or benign based on one or more of the following criteria: it is a conservative change, it occurs at a poorly conserved position in the protein, it is predicted to be benign by multiple in silico algorithms, and/or has population frequency not consistent with disease.

Breakthrough Genomics
Classification: Likely benign. Review status: criteria provided, single submitter. Criteria: ACMG Guidelines, 2015. Collection method: not provided. Allele origin: germline. Inheritance: Autosomal recessive inheritance. Affected: yes.

PreventionGenetics, part of Exact Sciences
Classification: Benign. Review status: criteria provided, single submitter. Criteria: ACMG Guidelines, 2015. Collection method: clinical testing. Allele origin: germline.

Mayo Clinic Laboratories, Mayo Clinic
Classification: Benign. Last evaluated: 2016-02-23. Review status: no assertion criteria provided. Collection method: clinical testing. Allele origin: unknown. Not counted in ClinVar's aggregate classification.

NM_005006.7(NDUFS1):c.414T>C (p.Asp138=)

Gene: NDUFS1 (NADH:ubiquinone oxidoreductase core subunit S1; minus strand). Cytogenetic location: 2q33.3.
Variant type: single nucleotide variant.
Coding change: c.414T>C on transcript NM_005006.7 (MANE Select); coding-DNA position 414, T replaced by C.
Protein change: p.Asp138=; no amino-acid change (aspartic acid 138 retained).
Molecular consequence: synonymous variant.
Genome position (GRCh38, 1-based): chr2:206,147,759, A>G on the plus strand (T>C on the coding strand, the complement: NDUFS1 is on the minus strand). VCF-style: chr2-206147759-A-G. GRCh37 (hg19) VCF-style: chr2-207012483-A-G.
Other names: p.D138D:GAT>GAC; c.306T>C, p.Asp102= (NM_001199981.2); c.81T>C, p.Asp27= (NM_001199982.2); c.243T>C, p.Asp81= (NM_001199983.2); c.456T>C, p.Asp152= (NM_001199984.2).
Identifiers: ClinVar variation 138473 (VCV000138473.18), dbSNP rs11548670, ClinGen allele CA292480.